The following is an entry in ClinVar:

ClinVar aggregate classification (germline): Uncertain significance. Review status: criteria provided, multiple submitters, no conflicts (2 of 4 stars). 3 submissions from 3 submitters: Uncertain significance (3). Last evaluated 2022-01-14.

Conditions:
Familial dysautonomia. Also called: FD; HSAN III. Identifiers: Orphanet 1764, MedGen C0013364, MONDO:0009131, OMIM 223900. Disease mechanism: loss of function.
Medulloblastoma (MDB). Also called: MEDULLOBLASTOMA PREDISPOSITION SYNDROME; Medulloblastoma, somatic. Identifiers: Orphanet 616, MedGen C0025149, MeSH D008527, MONDO:0007959, OMIM 155255, HP:0002885.

Allele frequency attached by ClinVar (database versions not stated): TOPMed below 0.00001; ExAC 0.00001; gnomAD exomes below 0.00001 and 0.00001; gnomAD 0.00001 and 0.00002.
gnomAD v4.1: 9 of 1,613,930 alleles (0.00056%); highest among the groups gnomAD compares: African/African-American, 0.0027%; no homozygotes.

Submissions (3):

Labcorp Genetics (formerly Invitae), Labcorp
Classification: Uncertain significance. Last evaluated: 2022-01-14. Review status: criteria provided, single submitter. Criteria: Invitae Variant Classification Sherloc (09022015). Collection method: clinical testing. Allele origin: germline.
Comment: This sequence change replaces serine, which is neutral and polar, with phenylalanine, which is neutral and non-polar, at codon 389 of the ELP1 protein (p.Ser389Phe). This variant is present in population databases (rs745948468, gnomAD 0.002%). This variant has not been reported in the literature in individuals affected with ELP1-related conditions. Algorithms developed to predict the effect of missense changes on protein structure and function are either unavailable or do not agree on the potential impact of this missense change (SIFT: "Deleterious"; PolyPhen-2: "Possibly Damaging"; Align-GVGD: "Class C0"). In summary, the available evidence is currently insufficient to determine the role of this variant in disease. Therefore, it has been classified as a Variant of Uncertain Significance.

Fulgent Genetics
Classification: Uncertain significance for Medulloblastoma; Familial dysautonomia. Last evaluated: 2022-01-13. Review status: criteria provided, single submitter. Criteria: ACMG Guidelines, 2015. Collection method: clinical testing. Allele origin: unknown.

Ambry Genetics
Classification: Uncertain significance. Last evaluated: 2019-11-15. Review status: criteria provided, single submitter. Criteria: Ambry Variant Classification Scheme 2023. Collection method: clinical testing. Allele origin: germline.
Comment: The p.S389F variant (also known as c.1166C>T), located in coding exon 10 of the IKBKAP gene, results from a C to T substitution at nucleotide position 1166. The serine at codon 389 is replaced by phenylalanine, an amino acid with highly dissimilar properties. This amino acid position is poorly conserved in available vertebrate species. In addition, this alteration is predicted to be tolerated by in silico analysis. Since supporting evidence is limited at this time, the clinical significance of this alteration remains unclear.

NM_003640.5(ELP1):c.1166C>T (p.Ser389Phe)

Gene: ELP1 (elongator acetyltransferase complex subunit 1; minus strand). Cytogenetic location: 9q31.3.
Variant type: single nucleotide variant.
Coding change: c.1166C>T on transcript NM_003640.5 (MANE Select); coding-DNA position 1166, C replaced by T.
Protein change: p.Ser389Phe; replaces serine 389 with phenylalanine.
Molecular consequence: missense variant.
Genome position (GRCh38, 1-based): chr9:108,912,287, G>A on the plus strand (C>T on the coding strand, the complement: ELP1 is on the minus strand). VCF-style: chr9-108912287-G-A. GRCh37 (hg19) VCF-style: chr9-111674567-G-A.
Other names: c.824C>T, p.Ser275Phe (NM_001318360.2); c.119C>T, p.Ser40Phe (NM_001330749.2); short protein forms S40F, S389F, S275F.
Identifiers: ClinVar variation 1472508 (VCV001472508.8), dbSNP rs745948468, ClinGen allele CA5175101.